The following is an entry in ClinVar:

ClinVar aggregate classification (germline): Pathogenic (1 of 4 stars; one submission).

Conditions:
Neurofibromatosis, type 1 (NF1). Also called: Neurofibromatosis, type I; VON RECKLINGHAUSEN DISEASE; NEUROFIBROMATOSIS, TYPE I, SOMATIC; Peripheral type neurofibromatosis. Identifiers: Orphanet 636, MedGen C0027831, MONDO:0018975, OMIM 162200. Disease mechanism: loss of function.

Submission:

Labcorp Genetics (formerly Invitae), Labcorp
Classification: Pathogenic for Neurofibromatosis, type 1. Last evaluated: 2021-10-01. Review status: criteria provided, single submitter. Criteria: Invitae Variant Classification Sherloc (09022015). Collection method: clinical testing. Allele origin: germline.
Comment: For these reasons, this variant has been classified as Pathogenic. This variant disrupts a region of the NF1 protein in which other variant(s) (p.Arg1809Cys) have been determined to be pathogenic (PMID: 12807981, 19120036, 24357598, 24789688, 26178382). This suggests that this is a clinically significant region of the protein, and that variants that disrupt it are likely to be disease-causing. This variant has not been reported in the literature in individuals affected with NF1-related conditions. This variant results in the deletion of exon 37 and part of exon 38 (c.5206-553_5554del) of the NF1 gene. It is expected to disrupt RNA splicing. Variants that disrupt the donor or acceptor splice site typically lead to a loss of protein function (PMID: 16199547), and loss-of-function variants in NF1 are known to be pathogenic (PMID: 10712197, 23913538).

Literature cited by the submitters: PubMed 12807981; PubMed 19120036; PubMed 24357598; PubMed 24789688; PubMed 26178382; PubMed 16199547; PubMed 10712197; PubMed 23913538.

NC_000017.10:g.(?_29653962)_(29657319_?)del

Gene: NF1 (neurofibromin 1; plus strand). Cytogenetic location: 17q11.2.
Variant type: Deletion.
Identifiers: ClinVar variation 1454808 (VCV001454808.4).